The following is an entry in ClinVar:

NM_001302371.3(NBPF10):c.9024A>G (p.Ala3008=)

Gene: NBPF10 (NBPF member 10; minus strand). Cytogenetic location: 1q21.1.
Variant type: single nucleotide variant.
Coding change: c.9024A>G on transcript NM_001302371.3 (MANE Select); coding-DNA position 9024, A replaced by G.
Protein change: p.Ala3008=; no amino-acid change (alanine 3008 retained).
Molecular consequence: synonymous variant.
Genome position (GRCh38, 1-based): chr1:146,080,645, T>C on the plus strand (A>G on the coding strand, the complement: NBPF10 is on the minus strand). VCF-style: chr1-146080645-T-C. GRCh37 (hg19) VCF-style: chr1-145357549-A-G.
Other names: c.9024A>G, p.Ala3008= (NM_001039703.6).
Identifiers: ClinVar variation 3239222 (VCV003239222.19), dbSNP rs1270653449.
Genomic context (GRCh38, chr1:146,080,645, plus strand): 5'-CTTCATAGAAAGGTACTCACCTCCCACGTCAAGAGAAAAGCCAACATGTTTTTCCTCCAA[T>C]GCATAAAAGGAACTTCCATAGGGCTGGCAGGAGTCAGGCTGTTCAAGACAACTGGAAGGA-3'
Protein context (NP_001289300.1, residues 2998-3018): SCQPYGSSFY[Ala3008=]LEEKHVGFSL

ClinVar aggregate classification (germline): Likely benign (1 of 4 stars; one submission).

Submission:

CeGaT Center for Human Genetics Tuebingen
Classification: Likely benign. Last evaluated: 2024-05-01. Review status: criteria provided, single submitter. Criteria: CeGaT Center For Human Genetics Tuebingen Variant Classification Criteria Version 2. Collection method: clinical testing. Allele origin: germline. Affected: yes. Observed: 1 variant allele.
Comment: NBPF10: BP4, BP7